The following is an entry in ClinVar:

NM_005902.4(SMAD3):c.626C>G (p.Pro209Arg)

Gene: SMAD3 (SMAD family member 3; plus strand). Cytogenetic location: 15q22.33.
Variant type: single nucleotide variant.
Coding change: c.626C>G on transcript NM_005902.4 (MANE Select); coding-DNA position 626, C replaced by G.
Protein change: p.Pro209Arg; replaces proline 209 with arginine.
Molecular consequence: missense variant.
Genome position (GRCh38, 1-based): chr15:67,170,572, C>G. VCF-style: chr15-67170572-C-G. GRCh37 (hg19) VCF-style: chr15-67462910-C-G.
Other names: c.311C>G, p.Pro104Arg (NM_001145102.2, NM_001407016.1); c.494C>G, p.Pro165Arg (NM_001145103.2, NM_001407012.1); c.41C>G, p.Pro14Arg (NM_001145104.2, NM_001407017.1); c.626C>G, p.Pro209Arg (NM_001407011.1, NM_001407013.1); c.479C>G, p.Pro160Arg (NM_001407014.1); c.179C>G, p.Pro60Arg (NM_001407015.1); short protein forms P104R, P14R, P160R, P165R, P209R, P60R.
Identifiers: ClinVar variation 2662929 (VCV002662929.1), dbSNP rs1209899173, ClinGen allele CA392955022.

ClinVar aggregate classification (germline): Uncertain significance (1 of 4 stars; one submission).

Submission:

GeneDx
Classification: Uncertain significance. Last evaluated: 2023-04-13. Review status: criteria provided, single submitter. Criteria: GeneDx Variant Classification Process June 2021. Collection method: clinical testing. Allele origin: germline. Affected: yes.
Comment: Not observed at significant frequency in large population cohorts (gnomAD); In silico analysis supports that this missense variant has a deleterious effect on protein structure/function; Has not been previously published as pathogenic or benign to our knowledge